The following is an entry in ClinVar:

NM_172107.4(KCNQ2):c.690+1G>A

Gene: KCNQ2 (potassium voltage-gated channel subfamily Q member 2; minus strand). Cytogenetic location: 20q13.33.
Variant type: single nucleotide variant.
Coding change: c.690+1G>A on transcript NM_172107.4 (MANE Select); the canonical splice donor site of the intron after coding-DNA position 690, G replaced by A.
Molecular consequence: splice donor variant.
Genome position (GRCh38, 1-based): chr20:63,444,658, C>T on the plus strand (G>A on the coding strand, the complement: KCNQ2 is on the minus strand). VCF-style: chr20-63444658-C-T. GRCh37 (hg19) VCF-style: chr20-62076011-C-T.
Other names: c.690+1G>A (NM_004518.6, NM_172108.5, NM_172106.3 and 2 more transcripts).
Identifiers: ClinVar variation 1466379 (VCV001466379.7), dbSNP rs2145774426, ClinGen allele CA409654633.

ClinVar aggregate classification (germline): Likely pathogenic (1 of 4 stars; one submission).

Conditions:
Early-infantile DEE. Also called: Early infantile epileptic encephalopathy with suppression bursts; Early infantile epileptic encephalopathy; Ohtahara syndrome. Identifiers: Orphanet 1934, MedGen C0393706, MONDO:0800491.

Submission:

Labcorp Genetics (formerly Invitae), Labcorp
Classification: Likely pathogenic for Early-infantile DEE. Last evaluated: 2022-08-09. Review status: criteria provided, single submitter. Criteria: Invitae Variant Classification Sherloc (09022015). Collection method: clinical testing. Allele origin: germline.
Comment: In summary, the currently available evidence indicates that the variant is pathogenic, but additional data are needed to prove that conclusively. Therefore, this variant has been classified as Likely Pathogenic. Algorithms developed to predict the effect of sequence changes on RNA splicing suggest that this variant may disrupt the consensus splice site. ClinVar contains an entry for this variant (Variation ID: 1466379). This variant has not been reported in the literature in individuals affected with KCNQ2-related conditions. This variant is not present in population databases (gnomAD no frequency). This sequence change affects a donor splice site in intron 4 of the KCNQ2 gene. It is expected to disrupt RNA splicing. Variants that disrupt the donor or acceptor splice site typically lead to a loss of protein function (PMID: 16199547), and loss-of-function variants in KCNQ2 are known to be pathogenic (PMID: 14534157, 23692823, 27779742).

Literature cited by the submitters: PubMed 16199547; PubMed 14534157; PubMed 23692823; PubMed 27779742.